The following is an entry in ClinVar:

ClinVar aggregate classification (germline): Conflicting classifications of pathogenicity. Review status: criteria provided, conflicting classifications (1 of 4 stars). 10 submissions from 9 submitters: Uncertain significance (8); Likely benign (2). Last evaluated 2026-09-01.

Conditions:
Cardiovascular phenotype. Identifiers: MedGen CN230736.
Hypercholesterolemia, autosomal dominant, type B (FHCL2). Also called: Familial Hypercholesterolemia Type B; HYPERCHOLESTEROLEMIA, FAMILIAL, DUE TO LIGAND-DEFECTIVE APOLIPOPROTEIN B; Familial hypercholesterolemia 2; APOB-Related Familial Hypercholesterolemia, Autosomal Dominant; APOLIPOPROTEIN B-100, FAMILIAL DEFECTIVE; APOLIPOPROTEIN B-100, FAMILIAL LIGAND-DEFECTIVE. Identifiers: MedGen C1704417, MONDO:0007751, OMIM 144010.
Familial hypobetalipoproteinemia 1. Also called: APOB-Related Familial Hypobetalipoproteinemia; Hypobetalipoproteinemia, normotriglyceridemic; Acanthocytosis with hypobetalipoproteinemia. Identifiers: MedGen C4551990, MONDO:0014252, OMIM 615558.
APOB-related disorder. Also called: APOB-related condition; APOB-related disorders.

Allele frequency attached by ClinVar (database versions not stated): gnomAD exomes 0.00002 and 0.00007; ExAC 0.00004; gnomAD 0.00004 and 0.00005; TOPMed 0.00010.
gnomAD v4.1: 61 of 1,613,950 alleles (0.0038%); highest among the groups gnomAD compares: East Asian, 0.047%; no homozygotes.

Submissions (10):

CeGaT Center for Human Genetics Tuebingen
Classification: Uncertain significance. Last evaluated: 2026-09-01. Review status: criteria provided, single submitter. Criteria: CeGaT Center For Human Genetics Tuebingen Variant Classification Criteria Version 2. Collection method: clinical testing. Allele origin: germline. Affected: yes. Observed: 1 variant allele.
Comment: APOB: PM2, BP4

Labcorp Genetics (formerly Invitae), Labcorp
Classification: Likely benign for Familial hypobetalipoproteinemia 1; Hypercholesterolemia, autosomal dominant, type B. Last evaluated: 2025-10-23. Review status: criteria provided, single submitter. Criteria: Invitae Variant Classification Sherloc (09022015). Collection method: clinical testing. Allele origin: germline.

Ambry Genetics
Classification: Likely benign for Cardiovascular phenotype. Last evaluated: 2025-09-08. Review status: criteria provided, single submitter. Criteria: Ambry Variant Classification Scheme 2023. Collection method: clinical testing. Allele origin: germline.

Blueprint Genetics
Classification: Uncertain significance. Last evaluated: 2024-11-18. Review status: criteria provided, single submitter. Criteria: ACMG Guidelines, 2015. Collection method: clinical testing. Allele origin: germline.

PreventionGenetics, part of Exact Sciences
Classification: Uncertain significance for APOB-related condition. Last evaluated: 2023-04-07. Review status: criteria provided, single submitter. Criteria: ACMG Guidelines, 2015. Collection method: clinical testing. Allele origin: germline.
Comment: The APOB c.11303T>C variant is predicted to result in the amino acid substitution p.Ile3768Thr. This variant is also described using legacy nomenclature as p.Ile3741Thr, has been reported in an individual with hypertriglyceridemia (Johansen et al. 2010. PubMed ID: 20657596. Table S1). This variant has also been reported in a cohort study with lipid levels and coronary artery disease (Lu et al. 2017. PubMed ID: 29083407). This variant is reported in 0.050% of alleles in individuals of East Asian descent in gnomAD. At this time, the clinical significance of this variant is uncertain due to the absence of conclusive functional and genetic evidence.

New York Genome Center
Classification: Uncertain significance for Hypercholesterolemia, autosomal dominant, type B; Familial hypobetalipoproteinemia 1. Last evaluated: 2022-10-26. Review status: criteria provided, single submitter. Criteria: NYGC Assertion Criteria 2020. Collection method: clinical testing. Allele origin: germline. Observed: 2 heterozygotes. Clinical features observed: Hepatic steatosis (HP:0001397), Hyperlipidemia (HP:0003077), Type 2 diabetes mellitus (HP:0005978).
Comment: The c.11303T>C p.(Ile3768Thr) variant identified in the APOB gene substitutes a moderately conserved Isoleucine for Threonine atamino acid 3768/4564 (exon 26/29). This variant is found with low frequency in population databases (gnomAD, BRAVO-TOPMed, All of Us) with highest allele frequency of 9.8e-5 (0 homozygotes; BRAVO-TOPMed) suggesting it is not a common benign variant in the populations represented in those databases. In silico algorithms predict this variant to be Neutral (REVEL:0.268) to the function of the canonical transcript. This variant is reported in ClinVar as a Variant of UncertainSignificance (VarID:630249), and to our current knowledge has not been reported in affected individuals in the literature. Given the lack of compelling evidence for its pathogenicity, the c.11303T>C p.(Ile3768Thr) variant identified in the APOB gene is reported as a Variant of Uncertain Significance.

Fulgent Genetics
Classification: Uncertain significance for Hypercholesterolemia, autosomal dominant, type B; Familial hypobetalipoproteinemia 1. Last evaluated: 2021-10-16. Review status: criteria provided, single submitter. Criteria: ACMG Guidelines, 2015. Collection method: clinical testing. Allele origin: unknown.

AiLife Diagnostics
Classification: Uncertain significance. Last evaluated: 2021-04-27. Review status: criteria provided, single submitter. Criteria: ACMG Guidelines, 2015. Collection method: clinical testing. Allele origin: germline. Affected: yes. Observed: 1 variant allele.

Illumina Laboratory Services, Illumina
Classification: Uncertain significance for Hypercholesterolemia, autosomal dominant, type B. Last evaluated: 2017-04-27. Review status: criteria provided, single submitter. Criteria: ICSL Variant Classification Criteria 13 December 2019. Collection method: clinical testing. Allele origin: germline.

Illumina Laboratory Services, Illumina
Classification: Uncertain significance for Familial hypobetalipoproteinemia 1. Last evaluated: 2017-04-27. Review status: criteria provided, single submitter. Criteria: ICSL Variant Classification Criteria 13 December 2019. Collection method: clinical testing. Allele origin: germline.

Literature cited by the submitters: PubMed 36499307 (cited by Ambry Genetics); PubMed 20657596 (cited by AiLife Diagnostics); PubMed 29083407 (cited by AiLife Diagnostics).

NM_000384.3(APOB):c.11303T>C (p.Ile3768Thr)

Gene: APOB (apolipoprotein B; minus strand). Cytogenetic location: 2p24.1.
Variant type: single nucleotide variant.
Coding change: c.11303T>C on transcript NM_000384.3 (MANE Select); coding-DNA position 11303, T replaced by C.
Protein change: p.Ile3768Thr; replaces isoleucine 3768 with threonine.
Molecular consequence: missense variant.
Genome position (GRCh38, 1-based): chr2:21,005,565, A>G on the plus strand (T>C on the coding strand, the complement: APOB is on the minus strand). VCF-style: chr2-21005565-A-G. GRCh37 (hg19) VCF-style: chr2-21228437-A-G.
Other names: short protein forms I3768T.
Identifiers: ClinVar variation 630249 (VCV000630249.31), dbSNP rs376825639, ClinGen allele CA046256.
Genomic context (GRCh38, chr2:21,005,565, plus strand): 5'-TCGGGGAGTGTTGGTAGGTTGAGGGCAAATGATGAAGTTCTCAGCTTCTTATAGATTTGT[A>G]TTTCTCTGAAGTCAAGTTTGCACGATGGAACCTGAAGATCTGTAAATGGGACATGGAACG-3'
Protein context (NP_000375.3, residues 3758-3778): VPSCKLDFRE[Ile3768Thr]QIYKKLRTSS